The following is an entry in ClinVar:

ClinVar aggregate classification (germline): Likely benign. Review status: criteria provided, multiple submitters, no conflicts (2 of 4 stars). 3 submissions from 3 submitters: Likely benign (2). 1 of the submissions does not count toward it. Last evaluated 2025-12-17.

Conditions:
TCF20-related disorder. Also called: TCF20-related condition.

Submissions (3):

Labcorp Genetics (formerly Invitae), Labcorp
Classification: Likely benign. Last evaluated: 2025-12-17. Review status: criteria provided, single submitter. Criteria: Invitae Variant Classification Sherloc (09022015). Collection method: clinical testing. Allele origin: germline.

Blueprint Genetics
Classification: Likely benign. Last evaluated: 2024-11-21. Review status: criteria provided, single submitter. Criteria: ACMG Guidelines, 2015. Collection method: clinical testing. Allele origin: germline.

PreventionGenetics, part of Exact Sciences
Classification: Likely benign for TCF20-related condition. Last evaluated: 2022-04-06. Review status: no assertion criteria provided. Collection method: clinical testing. Allele origin: germline. Not counted in ClinVar's aggregate classification.
Comment: This variant is classified as likely benign based on ACMG/AMP sequence variant interpretation guidelines (Richards et al. 2015 PMID: 25741868, with internal and published modifications).

NM_001378418.1(TCF20):c.719CCT[6] (p.Ser246del)

Gene: TCF20 (transcription factor 20; minus strand). Cytogenetic location: 22q13.2.
Variant type: Microsatellite.
Coding change: c.719CCT[6] on transcript NM_001378418.1 (MANE Select); six copies in a row of the 3-base unit CCT starting at c.719; the reference has seven copies in a row; one copy, 3 bases deleted.
Protein change: p.Ser246del; deletes serine 246.
Molecular consequence: inframe deletion.
Genome position (GRCh38, 1-based): chr22:42,214,567-42,214,569, AGG deleted on the plus strand (CCT on the coding strand, the reverse complement: TCF20 is on the minus strand); deleting any 3 consecutive bases within chr22:42,214,567-42,214,588 gives the same sequence; the position shown is the placement nearest the transcript's 3' end. VCF-style (leftmost placement, unchanged base first): chr22-42214566-AAGG-A. GRCh37 (hg19) VCF-style: chr22-42610572-AAGG-A.
Other names: c.719CCT[6], p.Ser246del (NM_005650.4, NM_181492.3); c.737_739delCCT (NM_005650.3); short protein forms S246del.
Identifiers: ClinVar variation 782969 (VCV000782969.10), dbSNP rs754279263, ClinGen allele CA10267308.